The following is an entry in ClinVar:

NM_032447.5(FBN3):c.818G>T (p.Arg273Leu)

Gene: FBN3 (fibrillin 3; minus strand). Cytogenetic location: 19p13.2.
Variant type: single nucleotide variant.
Coding change: c.818G>T on transcript NM_032447.5 (MANE Select); coding-DNA position 818, G replaced by T.
Protein change: p.Arg273Leu; replaces arginine 273 with leucine.
Molecular consequence: missense variant.
Genome position (GRCh38, 1-based): chr19:8,141,764, C>A on the plus strand (G>T on the coding strand, the complement: FBN3 is on the minus strand). VCF-style: chr19-8141764-C-A. GRCh37 (hg19) VCF-style: chr19-8206648-C-A.
Other names: c.818G>T, p.Arg273Leu (NM_001321431.2); short protein forms R273L.
Identifiers: ClinVar variation 3607652 (VCV003607652.2).

ClinVar aggregate classification (germline): Uncertain significance (1 of 4 stars; one submission).

gnomAD v4.1: 10 of 1,614,006 alleles (0.00062%); highest among the groups gnomAD compares: Admixed American, 0.0017%; no homozygotes.

Submission:

Labcorp Genetics (formerly Invitae), Labcorp
Classification: Uncertain significance. Last evaluated: 2024-06-09. Review status: criteria provided, single submitter. Criteria: Invitae Variant Classification Sherloc (09022015). Collection method: clinical testing. Allele origin: germline.
Comment: This sequence change replaces arginine, which is basic and polar, with leucine, which is neutral and non-polar, at codon 273 of the FBN3 protein (p.Arg273Leu). This variant is present in population databases (rs775495075, gnomAD 0.002%). This variant has not been reported in the literature in individuals affected with FBN3-related conditions. An algorithm developed to predict the effect of missense changes on protein structure and function (PolyPhen-2) suggests that this variant is likely to be tolerated. In summary, the available evidence is currently insufficient to determine the role of this variant in disease. Therefore, it has been classified as a Variant of Uncertain Significance.